The following is an entry in ClinVar:

ClinVar aggregate classification (germline): Conflicting classifications of pathogenicity. Review status: criteria provided, conflicting classifications (1 of 4 stars). 5 submissions from 5 submitters: Uncertain significance (4); Likely benign (1). Last evaluated 2026-09-09.

Conditions:
Inborn genetic diseases. Identifiers: MedGen C0950123, MeSH D030342.
PROM1-related disorder. Also called: PROM1-related condition; PROM1-related disorders.

Allele frequency attached by ClinVar (database versions not stated): ExAC 0.00012; TOPMed 0.00018; gnomAD 0.00019; ESP Exome Variant Server 0.00032; 1000 Genomes Project 30x 0.00078; 1000 Genomes Project 0.00080.
gnomAD v4.1: 102 of 1,613,898 alleles (0.0063%); highest among the groups gnomAD compares: African/African-American, 0.043%; no homozygotes.

Submissions (5):

PreventionGenetics, part of Exact Sciences
Classification: Uncertain significance for PROM1-related condition. Last evaluated: 2026-09-09. Review status: criteria provided, single submitter. Criteria: ACMG Guidelines, 2015. Collection method: clinical testing. Allele origin: germline.
Comment: The PROM1 c.524A>G variant is predicted to result in the amino acid substitution p.Tyr175Cys. To our knowledge, this variant has not been reported in the literature. This variant is reported in 0.050% of alleles in individuals of African descent in gnomAD. At this time, the clinical significance of this variant is uncertain due to the absence of conclusive functional and genetic evidence.

Labcorp Genetics (formerly Invitae), Labcorp
Classification: Uncertain significance. Last evaluated: 2025-12-08. Review status: criteria provided, single submitter. Criteria: Invitae Variant Classification Sherloc (09022015). Collection method: clinical testing. Allele origin: germline.
Comment: This sequence change replaces tyrosine, which is neutral and polar, with cysteine, which is neutral and slightly polar, at codon 175 of the PROM1 protein (p.Tyr175Cys). This variant is present in population databases (rs144688616, gnomAD 0.06%). This variant has not been reported in the literature in individuals affected with PROM1-related conditions. ClinVar contains an entry for this variant (Variation ID: 502005). Invitae Evidence Modeling of protein sequence and biophysical properties (such as structural, functional, and spatial information, amino acid conservation, physicochemical variation, residue mobility, and thermodynamic stability) indicates that this missense variant is not expected to disrupt PROM1 protein function with a negative predictive value of 80%. In summary, the available evidence is currently insufficient to determine the role of this variant in disease. Therefore, it has been classified as a Variant of Uncertain Significance.

Ambry Genetics
Classification: Likely benign for Inborn genetic diseases. Last evaluated: 2024-12-11. Review status: criteria provided, single submitter. Criteria: Ambry Variant Classification Scheme 2023. Collection method: clinical testing. Allele origin: germline.

ARUP Laboratories, Molecular Genetics and Genomics, ARUP Laboratories
Classification: Uncertain significance. Last evaluated: 2018-08-24. Review status: criteria provided, single submitter. Criteria: ARUP Molecular Germline Variant Investigation Process. Collection method: clinical testing. Allele origin: germline.
Comment: The PROM1 c.524A>G; p.Tyr175Cys variant (rs144688616), to our knowledge, is not reported in the medical literature or in gene-specific databases. The variant is reported in the ClinVar database (Variation ID: 502005) and in the general population with an overall allele frequency of 0.01% (27/276996 alleles) in the Genome Aggregation Database. The tyrosine at this position is weakly conserved across species and computational analyses (SIFT, PolyPhen-2) predict that this variant is tolerated. Considering available information, the clinical significance of this variant cannot be determined with certainty. Pathogenic PROM1 variants causative for autosomal dominant macular dystrophy (MIM: 608051) and autosomal recessive retinitis pigmentosa (MIM: 612095).

Eurofins Ntd Llc (ga)
Classification: Uncertain significance. Last evaluated: 2017-05-22. Review status: criteria provided, single submitter. Criteria: EGL Classification Definitions 2015. Collection method: clinical testing. Allele origin: germline. Observed: 1 variant allele, 1 heterozygote.

NM_006017.3(PROM1):c.524A>G (p.Tyr175Cys)

Gene: PROM1 (prominin 1; minus strand). Cytogenetic location: 4p15.32.
Variant type: single nucleotide variant.
Coding change: c.524A>G on transcript NM_006017.3 (MANE Select); coding-DNA position 524, A replaced by G.
Protein change: p.Tyr175Cys; replaces tyrosine 175 with cysteine.
Molecular consequence: missense variant.
Genome position (GRCh38, 1-based): chr4:16,025,298, T>C on the plus strand (A>G on the coding strand, the complement: PROM1 is on the minus strand). VCF-style: chr4-16025298-T-C. GRCh37 (hg19) VCF-style: chr4-16026921-T-C.
Other names: c.497A>G, p.Tyr166Cys (NM_001145847.2, NM_001145848.2, NM_001145851.2 and 4 more transcripts); c.524A>G, p.Tyr175Cys (NM_001145849.2, NM_001145850.2); short protein forms Y175C, Y166C.
Identifiers: ClinVar variation 502005 (VCV000502005.22), dbSNP rs144688616, ClinGen allele CA2867049.
Genomic context (GRCh38, chr4:16,025,298, plus strand): 5'-TCTGCCAGTTTCCGACTCCTTTTGATCCGGGTTCTTACCTGGTGATTTGCCACAAAACCA[T>C]AGAAGATGCCAATGCTGCAGGAAAAGGCAGAGAGAAGAAAGAGCATTTACTGTGTGGTCC-3'
Protein context (NP_006008.1, residues 165-185): ICIIISIGIF[Tyr175Cys]GFVANHQVRT